The following is an entry in ClinVar:

ClinVar aggregate classification (germline): Uncertain significance. Review status: criteria provided, multiple submitters, no conflicts (2 of 4 stars). 3 submissions from 3 submitters: Uncertain significance (2). 1 of the submissions does not count toward it. Last evaluated 2025-10-06.

Conditions:
RECQL4-related disorder. Also called: RECQL4-related condition; RECQL4-related disorders.
Baller-Gerold syndrome (BGS). Also called: CRANIOSYNOSTOSIS WITH RADIAL DEFECTS. Identifiers: Orphanet 1225, MedGen C0265308, MONDO:0009039, OMIM 218600.

Allele frequency attached by ClinVar (database versions not stated): TOPMed 0.00003; gnomAD exomes 0.00005; ExAC 0.00006; gnomAD 0.00010; 1000 Genomes Project 30x 0.00016; 1000 Genomes Project 0.00020.
gnomAD v4.1: 65 of 1,611,800 alleles (0.004%); highest among the groups gnomAD compares: South Asian, 0.024%; no homozygotes.

Submissions (3):

Labcorp Genetics (formerly Invitae), Labcorp
Classification: Uncertain significance for Baller-Gerold syndrome. Last evaluated: 2025-10-06. Review status: criteria provided, single submitter. Criteria: Invitae Variant Classification Sherloc (09022015). Collection method: clinical testing. Allele origin: germline.
Comment: This sequence change replaces arginine, which is basic and polar, with glutamine, which is neutral and polar, at codon 1062 of the RECQL4 protein (p.Arg1062Gln). This variant is present in population databases (rs558058260, gnomAD 0.02%). This variant has not been reported in the literature in individuals affected with RECQL4-related conditions. ClinVar contains an entry for this variant (Variation ID: 459464). Invitae Evidence Modeling of protein sequence and biophysical properties (such as structural, functional, and spatial information, amino acid conservation, physicochemical variation, residue mobility, and thermodynamic stability) indicates that this missense variant is not expected to disrupt RECQL4 protein function with a negative predictive value of 80%. In summary, the available evidence is currently insufficient to determine the role of this variant in disease. Therefore, it has been classified as a Variant of Uncertain Significance.

Revvity Omics, Revvity
Classification: Uncertain significance. Last evaluated: 2024-04-11. Review status: criteria provided, single submitter. Criteria: ACMG Guidelines, 2015. Collection method: clinical testing. Allele origin: germline.

PreventionGenetics, part of Exact Sciences
Classification: Uncertain significance for RECQL4-related condition. Last evaluated: 2024-08-24. Review status: no assertion criteria provided. Collection method: clinical testing. Allele origin: germline. Not counted in ClinVar's aggregate classification.
Comment: The RECQL4 c.3185G>A variant is predicted to result in the amino acid substitution p.Arg1062Gln. To our knowledge, this variant has not been reported in the literature. This variant is reported in 0.020% of alleles in individuals of South Asian descent in gnomAD, and is classified as a variant of uncertain significance in ClinVar. At this time, the clinical significance of this variant is uncertain due to the absence of conclusive functional and genetic evidence.

NM_004260.4(RECQL4):c.3185G>A (p.Arg1062Gln)

Gene: RECQL4 (RecQ like helicase 4; minus strand). Cytogenetic location: 8q24.3.
Variant type: single nucleotide variant.
Coding change: c.3185G>A on transcript NM_004260.4 (MANE Select); coding-DNA position 3185, G replaced by A.
Protein change: p.Arg1062Gln; replaces arginine 1062 with glutamine.
Molecular consequence: missense variant.
Genome position (GRCh38, 1-based): chr8:144,512,195, C>T on the plus strand (G>A on the coding strand, the complement: RECQL4 is on the minus strand). VCF-style: chr8-144512195-C-T. GRCh37 (hg19) VCF-style: chr8-145737578-C-T.
Other names: short protein forms R1062Q.
Identifiers: ClinVar variation 459464 (VCV000459464.11), dbSNP rs558058260, ClinGen allele CA4947895.